The following is an entry in ClinVar:

NM_020732.3:c.339_365del

Gene: ARID1B (AT-rich interaction domain 1B; plus strand).
Variant type: Deletion.
Other names: c.339_365del (NM_020732.3).
Identifiers: ClinVar variation 4529703 (VCV004529703.1).

ClinVar aggregate classification (germline): Uncertain significance (1 of 4 stars; one submission).

Submission:

GeneDx
Classification: Uncertain significance. Last evaluated: 2025-05-16. Review status: criteria provided, single submitter. Criteria: GeneDx Variant Classification Process June 2021. Collection method: clinical testing. Allele origin: germline. Affected: yes.
Comment: In-frame deletion of 10 amino acid(s) and insertion of 1 different amino acid(s) in a non-repeat region; In silico analysis indicates that this variant does not alter protein structure/function; Has not been previously published as pathogenic or benign to our knowledge